The following is an entry in ClinVar:

NM_000545.8(HNF1A):c.884C>T (p.Pro295Leu)

Gene: HNF1A (HNF1 homeobox A; plus strand). Cytogenetic location: 12q24.31.
Variant type: single nucleotide variant.
Coding change: c.884C>T on transcript NM_000545.8 (MANE Select); coding-DNA position 884, C replaced by T.
Protein change: p.Pro295Leu; replaces proline 295 with leucine.
Molecular consequence: missense variant.
Genome position (GRCh38, 1-based): chr12:120,994,334, C>T. VCF-style: chr12-120994334-C-T. GRCh37 (hg19) VCF-style: chr12-121432137-C-T.
Other names: c.884C>T (NM_000545.5); c.884C>T, p.Pro295Leu (NM_001306179.2); short protein forms P295L.
Identifiers: ClinVar variation 1364938 (VCV001364938.8), dbSNP rs747958319, ClinGen allele CA6831861.

ClinVar aggregate classification (germline): Uncertain significance. Review status: criteria provided, multiple submitters, no conflicts (2 of 4 stars). 3 submissions from 3 submitters: Uncertain significance (3). Last evaluated 2025-12-22.

Conditions:
Type 1 diabetes mellitus 20 (T1D20). Also called: Diabetes mellitus, insulin-dependent, 20. Identifiers: MedGen C2675866, MONDO:0012919, OMIM 612520.
Diabetes mellitus type 1 (T1D). Also called: Type I diabetes mellitus; Diabetes Mellitus, Juvenile-Onset. Identifiers: MedGen C0011854, MONDO:0005147, OMIM 222100, HP:0100651.
Maturity-onset diabetes of the young type 3. Also called: MODY, type III; MODY type 3. Identifiers: Orphanet 552, MedGen C1838100, MeSH C563933, MONDO:0010894, OMIM 600496. Disease mechanism: loss of function.
Type 2 diabetes mellitus. Also called: Type II diabetes mellitus. Identifiers: MedGen C0011860, MeSH D003924, MONDO:0005148, OMIM 125853, HP:0005978.
Hepatic adenomas, familial. Also called: HEPATIC ADENOMA, SOMATIC; LIVER CELL ADENOMAS, FAMILIAL. Identifiers: MedGen C1840646, MONDO:0007718, OMIM 142330.
Nonpapillary renal cell carcinoma. Identifiers: Orphanet 422526, MedGen CN074294, MONDO:0007763, OMIM 144700.

Allele frequency attached by ClinVar (database versions not stated): TOPMed below 0.00001; gnomAD 0.00001 and 0.00002; gnomAD exomes 0.00002; ExAC 0.00004.
gnomAD v4.1: 30 of 1,606,272 alleles (0.0019%); highest among the groups gnomAD compares: South Asian, 0.0033%; no homozygotes.

Submissions (3):

Labcorp Genetics (formerly Invitae), Labcorp
Classification: Uncertain significance. Last evaluated: 2025-12-22. Review status: criteria provided, single submitter. Criteria: Invitae Variant Classification Sherloc (09022015). Collection method: clinical testing. Allele origin: germline.
Comment: This sequence change replaces proline, which is neutral and non-polar, with leucine, which is neutral and non-polar, at codon 295 of the HNF1A protein (p.Pro295Leu). This variant is present in population databases (rs747958319, gnomAD 0.003%). This variant has not been reported in the literature in individuals affected with HNF1A-related conditions. ClinVar contains an entry for this variant (Variation ID: 1364938). Invitae Evidence Modeling of protein sequence and biophysical properties (such as structural, functional, and spatial information, amino acid conservation, physicochemical variation, residue mobility, and thermodynamic stability) has been performed for this missense variant. However, the output from this modeling did not meet the statistical confidence thresholds required to predict the impact of this variant on HNF1A protein function. In summary, the available evidence is currently insufficient to determine the role of this variant in disease. Therefore, it has been classified as a Variant of Uncertain Significance.

GeneDx
Classification: Uncertain significance. Last evaluated: 2025-02-27. Review status: criteria provided, single submitter. Criteria: GeneDx Variant Classification Process June 2021. Collection method: clinical testing. Allele origin: germline. Affected: yes.
Comment: In silico analysis indicates that this missense variant does not alter protein structure/function; Has not been previously published as pathogenic or benign to our knowledge; This variant is associated with the following publications: (PMID: 21224407)

Fulgent Genetics
Classification: Uncertain significance for Type 2 diabetes mellitus; Hepatic adenomas, familial; Nonpapillary renal cell carcinoma; Diabetes mellitus type 1; Maturity-onset diabetes of the young type 3; Type 1 diabetes mellitus 20. Last evaluated: 2022-02-19. Review status: criteria provided, single submitter. Criteria: ACMG Guidelines, 2015. Collection method: clinical testing. Allele origin: unknown.